The following is an entry in ClinVar:

NM_002693.3(POLG):c.229_230insT (p.Gln77fs)

Genes: POLG (DNA polymerase gamma, catalytic subunit; minus strand), POLGARF (POLG alternative reading frame; minus strand). Cytogenetic location: 15q26.1.
Variant type: Insertion.
Coding change: c.229_230insT on transcript NM_002693.3 (MANE Select); coding-DNA positions 229 to 230, T inserted.
Protein change: p.Gln77fs; shifts the reading frame from glutamine 77.
Molecular consequence: frameshift variant.
Genome position: GRCh38 VCF-style: chr15-89333525-T-TA. GRCh37 (hg19) VCF-style: chr15-89876756-T-TA.
Other names: c.284_285insT, p.Asp96fs (NM_001430120.1); c.229_230insT, p.Gln77fs (NM_001126131.2); short protein forms D96fs, Q77fs.
Identifiers: ClinVar variation 5013566 (VCV005013566.1).

ClinVar aggregate classification (germline): Pathogenic (1 of 4 stars; one submission).

Conditions:
POLG-related disorder. Also called: POLG-Related Spectrum Disorders; POLG-related condition; POLG-Related Disorders. Identifiers: MedGen C4763519.

Submission:

Myriad Genetics, Inc.
Classification: Pathogenic for POLG-related disorder. Last evaluated: 2024-09-18. Review status: criteria provided, single submitter. Criteria: Myriad Autosomal Dominant, Autosomal Recessive and X-Linked Classification Criteria (2023). Collection method: clinical testing. Allele origin: unknown.
Comment: NM_002693.2(POLG):c.229_230insT(Q77Lfs*167) is expected to be pathogenic in the context of POLG-related disorders. This variant is predicted to lead to an abnormal or absent protein product due to the creation of a premature termination codon in POLG, a gene where loss-of-function variants are known to be pathogenic. Please note: this variant was assessed in the context of healthy population screening.